The following is an entry in ClinVar:

ClinVar aggregate classification (germline): Conflicting classifications of pathogenicity. Review status: criteria provided, conflicting classifications (1 of 4 stars). 3 submissions from 3 submitters: Uncertain significance (1); Likely benign (2). Last evaluated 2026-09-21.

Conditions:
TTN-related disorder. Also called: TTN-related disorders; TTN-related condition; TTN-related disease.

Allele frequency attached by ClinVar (database versions not stated): TOPMed 0.00002; gnomAD exomes 0.00001; gnomAD 0.00003; ESP Exome Variant Server 0.00008.
gnomAD v4.1: 18 of 1,608,660 alleles (0.0011%); highest among the groups gnomAD compares: Non-Finnish European, 0.0014%; no homozygotes.

Submissions (3):

Molecular Diagnostic Laboratory for Inherited Cardiovascular Disease, Montreal Heart Institute
Classification: Likely benign. Last evaluated: 2026-09-21. Review status: criteria provided, single submitter. Criteria: ACMG Guidelines, 2015. Collection method: clinical testing. Allele origin: germline. Affected: no.
Comment: BP1;BP4

PreventionGenetics, part of Exact Sciences
Classification: Uncertain significance for TTN-related condition. Last evaluated: 2026-02-24. Review status: criteria provided, single submitter. Criteria: ACMG Guidelines, 2015. Collection method: clinical testing. Allele origin: germline.
Comment: The TTN c.11392C>T variant is predicted to result in the amino acid substitution p.Leu3798Phe. To our knowledge, this variant has not been reported in the literature or in a large population database (gnomAD), indicating this variant is rare. At this time, the clinical significance of this variant is uncertain due to the absence of conclusive functional and genetic evidence.

GeneDx
Classification: Likely benign. Last evaluated: 2018-01-03. Review status: criteria provided, single submitter. Criteria: GeneDx Variant Classification (06012015). Collection method: clinical testing. Allele origin: germline. Affected: yes.
Comment: This variant is considered likely benign or benign based on one or more of the following criteria: it is a conservative change, it occurs at a poorly conserved position in the protein, it is predicted to be benign by multiple in silico algorithms, and/or has population frequency not consistent with disease.

NM_001267550.2(TTN):c.11392C>T (p.Leu3798Phe)

Gene: TTN (titin; minus strand). Cytogenetic location: 2q31.2.
Variant type: single nucleotide variant.
Coding change: c.11392C>T on transcript NM_001267550.2 (MANE Select); coding-DNA position 11392, C replaced by T.
Protein change: p.Leu3798Phe; replaces leucine 3798 with phenylalanine.
Molecular consequence: missense variant. On other transcripts: intron variant (1).
Genome position (GRCh38, 1-based): chr2:178,741,841, G>A on the plus strand (C>T on the coding strand, the complement: TTN is on the minus strand). VCF-style: chr2-178741841-G-A. GRCh37 (hg19) VCF-style: chr2-179606568-G-A.
Other names: c.10441C>T, p.Leu3481Phe (NM_001256850.1); c.10303C>T, p.Leu3435Phe (NM_003319.4); c.10678C>T, p.Leu3560Phe (NM_133432.3); c.10879C>T, p.Leu3627Phe (NM_133437.4); c.10361-3481C>T (NM_133378.4); short protein forms L3481F, L3798F, L3560F, L3435F, L3627F.
Identifiers: ClinVar variation 514553 (VCV000514553.3), dbSNP rs370110992, ClinGen allele CA60984828.